The following is an entry in ClinVar:

ClinVar aggregate classification (germline): Uncertain significance (1 of 4 stars; one submission).

Conditions:
MHC class II deficiency. Also called: Bare lymphocyte syndrome 2; BLS, TYPE II. Identifiers: Orphanet 572, MedGen C5447452, MONDO:0008855.

Submission:

Labcorp Genetics (formerly Invitae), Labcorp
Classification: Uncertain significance for MHC class II deficiency. Last evaluated: 2020-02-17. Review status: criteria provided, single submitter. Criteria: Invitae Variant Classification Sherloc (09022015). Collection method: clinical testing. Allele origin: germline.
Comment: This variant has not been reported in the literature in individuals with CIITA-related conditions. This sequence change replaces aspartic acid with asparagine at codon 992 of the CIITA protein (p.Asp992Asn). The aspartic acid residue is moderately conserved and there is a small physicochemical difference between aspartic acid and asparagine. This variant is not present in population databases (ExAC no frequency). Algorithms developed to predict the effect of missense changes on protein structure and function are either unavailable or do not agree on the potential impact of this missense change (SIFT: "Tolerated"; PolyPhen-2: "Probably Damaging"; Align-GVGD: "Class C0"). In summary, the available evidence is currently insufficient to determine the role of this variant in disease. Therefore, it has been classified as a Variant of Uncertain Significance.

NM_000246.4(CIITA):c.2974G>A (p.Asp992Asn)

Gene: CIITA (class II major histocompatibility complex transactivator; plus strand). Cytogenetic location: 16p13.13.
Variant type: single nucleotide variant.
Coding change: c.2974G>A on transcript NM_000246.4 (MANE Select); coding-DNA position 2974, G replaced by A.
Protein change: p.Asp992Asn; replaces aspartic acid 992 with asparagine.
Molecular consequence: missense variant. On other transcripts: non-coding transcript variant (1).
Genome position (GRCh38, 1-based): chr16:10,916,371, G>A. VCF-style: chr16-10916371-G-A. GRCh37 (hg19) VCF-style: chr16-11010228-G-A.
Other names: c.2977G>A, p.Asp993Asn (NM_001286402.1, NM_001379332.1); c.1222G>A, p.Asp408Asn (NM_001286403.2); c.2830G>A, p.Asp944Asn (NM_001379330.1); c.2827G>A, p.Asp943Asn (NM_001379331.1); c.2974G>A, p.Asp992Asn (NM_001379333.1); c.2905G>A, p.Asp969Asn (NM_001379334.1); short protein forms D408N, D943N, D944N, D969N, D992N, D993N.
Identifiers: ClinVar variation 1010393 (VCV001010393.9), dbSNP rs2039949687, ClinGen allele CA394722267.